The following is an entry in ClinVar:

NM_001386885.1(APOL4):c.903T>A (p.Asp301Glu)

Gene: APOL4 (apolipoprotein L4; minus strand). Cytogenetic location: 22q12.3.
Variant type: single nucleotide variant.
Coding change: c.903T>A on transcript NM_001386885.1 (MANE Select); coding-DNA position 903, T replaced by A.
Protein change: p.Asp301Glu; replaces aspartic acid 301 with glutamic acid.
Molecular consequence: missense variant.
Genome position (GRCh38, 1-based): chr22:36,191,219, A>T on the plus strand (T>A on the coding strand, the complement: APOL4 is on the minus strand). VCF-style: chr22-36191219-A-T. GRCh37 (hg19) VCF-style: chr22-36587267-A-T.
Other names: c.903T>A, p.Asp301Glu (NM_030643.4); c.912T>A, p.Asp304Glu (NM_145660.2); short protein forms D301E, D304E.
Identifiers: ClinVar variation 3336191 (VCV003336191.1).

ClinVar aggregate classification (germline): Uncertain significance (1 of 4 stars; one submission).

Submission:

Women's Health and Genetics/Laboratory Corporation of America, LabCorp
Classification: Uncertain significance. Last evaluated: 2024-05-03. Review status: criteria provided, single submitter. Criteria: LabCorp Variant Classification Summary - May 2015. Collection method: clinical testing. Allele origin: germline.
Comment: Variant summary: APOL4 c.909T>A (p.Asp303Glu) results in a conservative amino acid change in the encoded protein sequence. Four of five in-silico tools predict a benign effect of the variant on protein function. The variant allele was found at a frequency of 4e-06 in 248986 control chromosomes. The available data on variant occurrences in the general population are insufficient to allow any conclusion about variant significance. To our knowledge, no occurrence of c.909T>A in individuals affected with APOL4-related conditions and no experimental evidence demonstrating its impact on protein function have been reported. No submitters have cited clinical-significance assessments for this variant to ClinVar. Based on the evidence outlined above, the variant was classified as uncertain significance.